The following is an entry in ClinVar:

NM_001018005.2(TPM1):c.67G>A (p.Glu23Lys)

Gene: TPM1 (tropomyosin 1; plus strand). Cytogenetic location: 15q22.2.
Variant type: single nucleotide variant.
Coding change: c.67G>A on transcript NM_001018005.2 (MANE Select); coding-DNA position 67, G replaced by A.
Protein change: p.Glu23Lys; replaces glutamic acid 23 with lysine.
Molecular consequence: missense variant. On other transcripts: non-coding transcript variant (11).
Genome position (GRCh38, 1-based): chr15:63,042,896, G>A. VCF-style: chr15-63042896-G-A. GRCh37 (hg19) VCF-style: chr15-63335095-G-A.
Other names: c.67G>A, p.Glu23Lys (NM_000366.6, NM_001018004.2, NM_001018006.2 and 24 more transcripts); short protein forms E23K.
Identifiers: ClinVar variation 3232362 (VCV003232362.5), dbSNP rs199476302, ClinGen allele CA392718056.
Genomic context (GRCh38, chr15:63,042,896, plus strand): 5'-GCCATCAAGAAGAAGATGCAGATGCTGAAGCTCGACAAGGAGAACGCCTTGGATCGAGCT[G>A]AGCAGGCGGAGGCCGACAAGAAGGCGGCGGAAGACAGGAGCAAGCAGGTCTGCGCCTCCC-3'
Protein context (NP_001018005.1, residues 13-33): LDKENALDRA[Glu23Lys]QAEADKKAAE

ClinVar aggregate classification (germline): Conflicting classifications of pathogenicity. Review status: criteria provided, conflicting classifications (1 of 4 stars). 4 submissions from 4 submitters: Likely pathogenic (1); Uncertain significance (3). Last evaluated 2025-02-20.

Conditions:
Cardiovascular phenotype. Identifiers: MedGen CN230736.
TPM1-related disorder. Also called: TPM1-related condition.
Hypertrophic cardiomyopathy 3. Also called: TPM1-Related Familial Hypertrophic Cardiomyopathy. Identifiers: MedGen C1861863, MONDO:0007267, OMIM 115196.
Dilated cardiomyopathy 1Y (CMD1Y). Identifiers: Orphanet 154, Orphanet 54260, MedGen C2678476, MONDO:0012744, OMIM 611878.

Submissions (4):

Regional Center For Medical Genetics Timis, Louis Turcanu Emergency Hospital for Children Timisoara
Classification: Uncertain significance for Hypertrophic cardiomyopathy 3. Last evaluated: 2025-02-20. Review status: criteria provided, single submitter. Criteria: ACMG Guidelines, 2015. Collection method: clinical testing. Allele origin: germline. Affected: yes.
Comment: The variant is absent from the presumed healthy population (gnomAD; PM2_Supporting). The variant is located in a conserved region where clustering of likely pathogenic missense variants associated with the hypertrophic phenotype has been observed (PP2). In silico predictions support a deleterious effect (PP3). The variant is present in ClinVar with a classification of uncertain significance (Accession: VCV003232362.3). In LOVD, the missense variant c.67G>C, p.(Glu23Gln) is reported as likely pathogenic, but without supporting classification evidence. Based on the available data, this variant is classified as of uncertain significance (VUS), with supporting criteria for pathogenicity.

Ambry Genetics
Classification: Uncertain significance for Cardiovascular phenotype. Last evaluated: 2023-11-14. Review status: criteria provided, single submitter. Criteria: Ambry Variant Classification Scheme 2023. Collection method: clinical testing. Allele origin: germline.
Comment: The p.E23K variant (also known as c.67G>A), located in coding exon 1 of the TPM1 gene, results from a G to A substitution at nucleotide position 67. The glutamic acid at codon 23 is replaced by lysine, an amino acid with similar properties. This variant has been reported in a hypertrophic cardiomyopathy cohort and a dilated cardiomyopathy cohort; however, clinical details were limited in both cases (Mazzarotto F et al. Circulation, 2020 Feb;141:387-398; Hayashi T et al. J Hum Genet, 2018 Sep;63:989-996). This amino acid position is highly conserved in available vertebrate species. In addition, this alteration is predicted to be deleterious by in silico analysis. Since supporting evidence is limited at this time, the clinical significance of this alteration remains unclear.

Blueprint Genetics
Classification: Likely pathogenic for TPM1-related disorders. Last evaluated: 2023-01-13. Review status: criteria provided, single submitter. Criteria: ACMG Guidelines, 2015. Collection method: clinical testing. Allele origin: germline. Affected: yes. Observed: 1 variant allele.

Juno Genomics, Hangzhou Juno Genomics, Inc
Classification: Uncertain significance for Dilated cardiomyopathy 1Y; Hypertrophic cardiomyopathy 3. Review status: criteria provided, single submitter. Criteria: ACMG Guidelines, 2015. Collection method: clinical testing. Allele origin: germline. Affected: yes.
Comment: Absent from controls (or at extremely low frequency if recessive) in Genome Aggregation Database, Exome Sequencing Project, 1000 Genomes Project, or Exome Aggregation Consortium.;Multiple lines of computational evidence support a deleterious effect on the gene or gene product (conservation, evolutionary, splicing impact, etc).;Missense variant in a gene that has a low rate of benign missense variation and where missense variants are a common mechanism of disease.;Patient's phenotype or family history is highly specific for a disease with a single genetic etiology.

Literature cited by the submitters: PubMed 29907873 (cited by Ambry Genetics); PubMed 31983221 (cited by Ambry Genetics).